The following is an entry in ClinVar:

ClinVar aggregate classification (germline): Uncertain significance. Review status: criteria provided, multiple submitters, no conflicts (2 of 4 stars). 2 submissions from 2 submitters: Uncertain significance (2). Last evaluated 2022-11-01.

Conditions:
Inborn genetic diseases. Identifiers: MedGen C0950123, MeSH D030342.

Allele frequency attached by ClinVar (database versions not stated): gnomAD 0.00001; gnomAD exomes 0.00001; TOPMed 0.00001.
gnomAD v4.1: 11 of 1,550,128 alleles (0.00071%); highest among the groups gnomAD compares: Admixed American, 0.0039%; no homozygotes.

Submissions (2):

Labcorp Genetics (formerly Invitae), Labcorp
Classification: Uncertain significance. Last evaluated: 2022-11-01. Review status: criteria provided, single submitter. Criteria: Invitae Variant Classification Sherloc (09022015). Collection method: clinical testing. Allele origin: germline.
Comment: This sequence change replaces alanine, which is neutral and non-polar, with valine, which is neutral and non-polar, at codon 306 of the ERCC2 protein (p.Ala306Val). The frequency data for this variant in the population databases is considered unreliable, as metrics indicate poor data quality at this position in the gnomAD database. This variant has not been reported in the literature in individuals affected with ERCC2-related conditions. Advanced modeling of protein sequence and biophysical properties (such as structural, functional, and spatial information, amino acid conservation, physicochemical variation, residue mobility, and thermodynamic stability) performed at Invitae indicates that this missense variant is not expected to disrupt ERCC2 protein function. In summary, the available evidence is currently insufficient to determine the role of this variant in disease. Therefore, it has been classified as a Variant of Uncertain Significance.

Ambry Genetics
Classification: Uncertain significance for Inborn genetic diseases. Last evaluated: 2022-10-03. Review status: criteria provided, single submitter. Criteria: Ambry Variant Classification Scheme 2023. Collection method: clinical testing. Allele origin: germline.
Comment: The p.A306V variant (also known as c.917C>T), located in coding exon 10 of the ERCC2 gene, results from a C to T substitution at nucleotide position 917. The alanine at codon 306 is replaced by valine, an amino acid with similar properties. This amino acid position is conserved. In addition, the in silico prediction for this alteration is inconclusive. Since supporting evidence is limited at this time, the clinical significance of this alteration remains unclear.

NM_000400.4(ERCC2):c.917C>T (p.Ala306Val)

Gene: ERCC2 (ERCC excision repair 2, TFIIH core complex helicase subunit; minus strand). Cytogenetic location: 19q13.32.
Variant type: single nucleotide variant.
Coding change: c.917C>T on transcript NM_000400.4 (MANE Select); coding-DNA position 917, C replaced by T.
Protein change: p.Ala306Val; replaces alanine 306 with valine.
Molecular consequence: missense variant.
Genome position (GRCh38, 1-based): chr19:45,364,018, G>A on the plus strand (C>T on the coding strand, the complement: ERCC2 is on the minus strand). VCF-style: chr19-45364018-G-A. GRCh37 (hg19) VCF-style: chr19-45867276-G-A.
Other names: c.845C>T, p.Ala282Val (NM_001130867.2); short protein forms A306V, A282V.
Identifiers: ClinVar variation 1766067 (VCV001766067.5), dbSNP rs1343419778, ClinGen allele CA406373402.